The following is an entry in ClinVar:

ClinVar aggregate classification (germline): Conflicting classifications of pathogenicity. Review status: criteria provided, conflicting classifications (1 of 4 stars). 2 submissions from 2 submitters: Uncertain significance (1); Benign (1). Last evaluated 2025-12-16.

Conditions:
Adams-Oliver syndrome 5 (AOS5). Identifiers: Orphanet 974, MedGen C4014970, MONDO:0014459, OMIM 616028.
Familial thoracic aortic aneurysm and aortic dissection (TAAD). Also called: Thoracic aortic aneurysms and dissections. Identifiers: Orphanet 91387, MedGen C4707243, MONDO:0019625.

Allele frequency attached by ClinVar (database versions not stated): gnomAD exomes below 0.00001 and 0.00001; ExAC 0.00001.
gnomAD v4.1: 20 of 1,609,046 alleles (0.0012%); highest among the groups gnomAD compares: Non-Finnish European, 0.0015%; no homozygotes.

Submissions (2):

Labcorp Genetics (formerly Invitae), Labcorp
Classification: Benign for Adams-Oliver syndrome 5. Last evaluated: 2025-12-16. Review status: criteria provided, single submitter. Criteria: Invitae Variant Classification Sherloc (09022015). Collection method: clinical testing. Allele origin: germline.

Ambry Genetics
Classification: Uncertain significance for Familial thoracic aortic aneurysm and aortic dissection. Last evaluated: 2024-06-12. Review status: criteria provided, single submitter. Criteria: Ambry Variant Classification Scheme 2023. Collection method: clinical testing. Allele origin: germline.
Comment: The p.A1329T variant (also known as c.3985G>A), located in coding exon 24 of the NOTCH1 gene, results from a G to A substitution at nucleotide position 3985. The alanine at codon 1329 is replaced by threonine, an amino acid with similar properties. This amino acid position is conserved. In addition, this alteration is predicted to be tolerated by in silico analysis. Based on the available evidence, the clinical significance of this variant remains unclear.

NM_017617.5(NOTCH1):c.3985G>A (p.Ala1329Thr)

Gene: NOTCH1 (notch receptor 1; minus strand). Cytogenetic location: 9q34.3.
Variant type: single nucleotide variant.
Coding change: c.3985G>A on transcript NM_017617.5 (MANE Select); coding-DNA position 3985, G replaced by A.
Protein change: p.Ala1329Thr; replaces alanine 1329 with threonine.
Molecular consequence: missense variant.
Genome position (GRCh38, 1-based): chr9:136,506,556, C>T on the plus strand (G>A on the coding strand, the complement: NOTCH1 is on the minus strand). VCF-style: chr9-136506556-C-T. GRCh37 (hg19) VCF-style: chr9-139401008-C-T.
Other names: short protein forms A1329T.
Identifiers: ClinVar variation 861769 (VCV000861769.10), dbSNP rs763098618, ClinGen allele CA5340739.
Genomic context (GRCh38, chr9:136,506,556, plus strand): 5'-GGCCCCTGCCTCCCTGCACCCCTGCACCTACCGCAGGGCACTTGCAGATGAACCCGCGGG[C>T]GGTGTTGGAGGCCACGGCGCAGGTGCCCCCATTCTTGCAGGGCTTGCCTTTGCAGCCATT-3'
Protein context (NP_060087.3, residues 1319-1339): GGTCAVASNT[Ala1329Thr]RGFICKCPAG